The following is an entry in ClinVar:

NM_001672.3(ASIP):c.134T>C (p.Leu45Pro)

Genes: AHCY (adenosylhomocysteinase; minus strand), ASIP (agouti signaling protein; plus strand). Cytogenetic location: 20q11.22.
Variant type: single nucleotide variant.
Coding change: c.134T>C on transcript NM_001672.3 (MANE Select); coding-DNA position 134, T replaced by C.
Protein change: p.Leu45Pro; replaces leucine 45 with proline.
Molecular consequence: missense variant.
Genome position (GRCh38, 1-based): chr20:34,260,508, T>C. VCF-style: chr20-34260508-T-C. GRCh37 (hg19) VCF-style: chr20-32848314-T-C.
Other names: c.134T>C, p.Leu45Pro (NM_001385218.1); short protein forms L45P.
Identifiers: ClinVar variation 2374309 (VCV002374309.3), dbSNP rs1464683692, ClinGen allele CA408643706.

ClinVar aggregate classification (germline): Uncertain significance. Review status: criteria provided, multiple submitters, no conflicts (2 of 4 stars). 2 submissions from 2 submitters: Uncertain significance (2). Last evaluated 2026-09-18.

Conditions:
ASIP-related condition.

Allele frequency attached by ClinVar (database versions not stated): TOPMed 0.00002; gnomAD 0.00003; gnomAD exomes 0.00005.
gnomAD v4.1: 80 of 1,613,534 alleles (0.005%); highest among the groups gnomAD compares: Non-Finnish European, 0.0066%; no homozygotes.

Submissions (2):

PreventionGenetics, part of Exact Sciences
Classification: Uncertain significance for ASIP-related condition. Last evaluated: 2026-09-18. Review status: criteria provided, single submitter. Criteria: ACMG Guidelines, 2015. Collection method: clinical testing. Allele origin: germline.
Comment: The ASIP c.134T>C variant is predicted to result in the amino acid substitution p.Leu45Pro. To our knowledge, this variant has not been reported in the literature. This variant is reported in 0.0040% of alleles in individuals of African descent in gnomAD. At this time, the clinical significance of this variant is uncertain due to the absence of conclusive functional and genetic evidence.

Ambry Genetics
Classification: Uncertain significance. Last evaluated: 2021-06-11. Review status: criteria provided, single submitter. Criteria: Ambry Variant Classification Scheme 2023. Collection method: clinical testing. Allele origin: germline.